The following is an entry in ClinVar:

NM_003482.4(KMT2D):c.9296G>C (p.Arg3099Pro)

Gene: KMT2D (lysine methyltransferase 2D; minus strand). Cytogenetic location: 12q13.12.
Variant type: single nucleotide variant.
Coding change: c.9296G>C on transcript NM_003482.4 (MANE Select); coding-DNA position 9296, G replaced by C.
Protein change: p.Arg3099Pro; replaces arginine 3099 with proline.
Molecular consequence: missense variant.
Genome position (GRCh38, 1-based): chr12:49,038,060, C>G on the plus strand (G>C on the coding strand, the complement: KMT2D is on the minus strand). VCF-style: chr12-49038060-C-G. GRCh37 (hg19) VCF-style: chr12-49431843-C-G.
Other names: short protein forms R3099P.
Identifiers: ClinVar variation 2850651 (VCV002850651.3), dbSNP rs778257510, ClinGen allele CA384738929.
Genomic context (GRCh38, chr12:49,038,060, plus strand): 5'-TTCACCTCAGGGAGCACAGATGCCAGGCGGGGTTCAGAGGCATCAGCAGCAGGGGGAGGG[C>G]GCTCCTCAGGGCCCAAGGGTCCTGGCTCCACCCCCCGCAGCAGGGCCTCCCGTTCAGCCT-3'
Protein context (NP_003473.3, residues 3089-3109): VEPGPLGPEE[Arg3099Pro]PPPAADASEP

ClinVar aggregate classification (germline): Uncertain significance (1 of 4 stars; one submission).

Conditions:
Kabuki syndrome. Also called: Kabuki make-up syndrome; NIIKAWA-KUROKI SYNDROME. Identifiers: Orphanet 2322, MedGen C0796004, MONDO:0016512.

gnomAD v4.1: 1 of 1,612,564 alleles (0.000062%); highest among the groups gnomAD compares: Admixed American, 0.0017%; no homozygotes.

Submission:

Labcorp Genetics (formerly Invitae), Labcorp
Classification: Uncertain significance for Kabuki syndrome. Last evaluated: 2024-02-23. Review status: criteria provided, single submitter. Criteria: Invitae Variant Classification Sherloc (09022015). Collection method: clinical testing. Allele origin: germline.
Comment: This sequence change replaces arginine, which is basic and polar, with proline, which is neutral and non-polar, at codon 3099 of the KMT2D protein (p.Arg3099Pro). This variant is not present in population databases (gnomAD no frequency). This variant has not been reported in the literature in individuals affected with KMT2D-related conditions. Advanced modeling of protein sequence and biophysical properties (such as structural, functional, and spatial information, amino acid conservation, physicochemical variation, residue mobility, and thermodynamic stability) performed at Invitae indicates that this missense variant is not expected to disrupt KMT2D protein function with a negative predictive value of 95%. In summary, the available evidence is currently insufficient to determine the role of this variant in disease. Therefore, it has been classified as a Variant of Uncertain Significance.